The following is an entry in ClinVar:

ClinVar aggregate classification (germline): Likely benign. Review status: criteria provided, multiple submitters, no conflicts (2 of 4 stars). 3 submissions from 3 submitters: Likely benign (3). Last evaluated 2025-04-30.

Conditions:
CEP164-related disorder. Also called: CEP164-related condition.
Nephronophthisis 15 (NPHP15). Identifiers: Orphanet 3156, MedGen C3541853, MONDO:0013917, OMIM 614845.

Submissions (3):

PreventionGenetics, part of Exact Sciences
Classification: Likely benign for CEP164-related condition. Last evaluated: 2025-04-30. Review status: criteria provided, single submitter. Criteria: ACMG Guidelines, 2015. Collection method: clinical testing. Allele origin: germline.
Comment: This variant is classified as likely benign based on ACMG/AMP sequence variant interpretation guidelines (Richards et al. 2015 PMID: 25741868, with internal and published modifications).

Labcorp Genetics (formerly Invitae), Labcorp
Classification: Likely benign for Nephronophthisis 15. Last evaluated: 2024-06-22. Review status: criteria provided, single submitter. Criteria: Invitae Variant Classification Sherloc (09022015). Collection method: clinical testing. Allele origin: germline.

Blueprint Genetics
Classification: Likely benign. Last evaluated: 2023-09-28. Review status: criteria provided, single submitter. Criteria: ACMG Guidelines, 2015. Collection method: clinical testing. Allele origin: germline.

NM_014956.5(CEP164):c.1323G>A (p.Gln441=)

Gene: CEP164 (centrosomal protein 164; plus strand). Cytogenetic location: 11q23.3.
Variant type: single nucleotide variant.
Coding change: c.1323G>A on transcript NM_014956.5 (MANE Select); coding-DNA position 1323, G replaced by A.
Protein change: p.Gln441=; no amino-acid change (glutamine 441 retained).
Molecular consequence: synonymous variant.
Genome position (GRCh38, 1-based): chr11:117,380,619, G>A. VCF-style: chr11-117380619-G-A. GRCh37 (hg19) VCF-style: chr11-117251335-G-A.
Other names: c.1323G>A, p.Gln441= (NM_001271933.2); c.1323G>A (NM_014956.4).
Identifiers: ClinVar variation 3708451 (VCV003708451.4).